The following is an entry in ClinVar:

ClinVar aggregate classification (germline): Conflicting classifications of pathogenicity. Review status: criteria provided, conflicting classifications (1 of 4 stars). 3 submissions from 3 submitters: Uncertain significance (2); Benign (1). Last evaluated 2025-11-23.

Conditions:
Inborn genetic diseases. Identifiers: MedGen C0950123, MeSH D030342.

Allele frequency attached by ClinVar (database versions not stated): gnomAD exomes 0.00012; TOPMed 0.00015; gnomAD 0.00018; 1000 Genomes Project 0.00020; 1000 Genomes Project 30x 0.00031; ExAC 0.00034.
gnomAD v4.1: 191 of 1,549,276 alleles (0.012%); highest among the groups gnomAD compares: East Asian, 0.02%; no homozygotes.

Submissions (3):

Labcorp Genetics (formerly Invitae), Labcorp
Classification: Benign. Last evaluated: 2025-11-23. Review status: criteria provided, single submitter. Criteria: Invitae Variant Classification Sherloc (09022015). Collection method: clinical testing. Allele origin: germline.

Ambry Genetics
Classification: Uncertain significance for Inborn genetic diseases. Last evaluated: 2024-07-30. Review status: criteria provided, single submitter. Criteria: Ambry Variant Classification Scheme 2023. Collection method: clinical testing. Allele origin: germline.

CeGaT Center for Human Genetics Tuebingen
Classification: Uncertain significance. Last evaluated: 2023-03-01. Review status: criteria provided, single submitter. Criteria: CeGaT Center For Human Genetics Tuebingen Variant Classification Criteria Version 2. Collection method: clinical testing. Allele origin: germline. Affected: yes. Observed: 1 variant allele.
Comment: PIEZO1: PM2, BP4

NM_001142864.4(PIEZO1):c.5029C>T (p.Arg1677Trp)

Gene: PIEZO1 (piezo type mechanosensitive ion channel component 1 (Er blood group); minus strand). Cytogenetic location: 16q24.3.
Variant type: single nucleotide variant.
Coding change: c.5029C>T on transcript NM_001142864.4 (MANE Select); coding-DNA position 5029, C replaced by T.
Protein change: p.Arg1677Trp; replaces arginine 1677 with tryptophan.
Molecular consequence: missense variant.
Genome position (GRCh38, 1-based): chr16:88,721,993, G>A on the plus strand (C>T on the coding strand, the complement: PIEZO1 is on the minus strand). VCF-style: chr16-88721993-G-A. GRCh37 (hg19) VCF-style: chr16-88788401-G-A.
Other names: c.3571C>T, p.Arg1191Trp (NM_014745.1); short protein forms R1191W, R1677W.
Identifiers: ClinVar variation 2367169 (VCV002367169.29), dbSNP rs144994831, ClinGen allele CA8231969.